The following is an entry in ClinVar:

ClinVar aggregate classification (germline): Uncertain significance (1 of 4 stars; one submission).

Conditions:
Schuurs-Hoeijmakers syndrome. Also called: PACS1-Related Neurodevelopmental Disorder. Identifiers: Orphanet 329224, MedGen C3554343, MONDO:0014006, OMIM 615009.

gnomAD v4.1: 1 of 1,614,060 alleles (0.000062%); no homozygotes.

Submission:

Labcorp Genetics (formerly Invitae), Labcorp
Classification: Uncertain significance for Schuurs-Hoeijmakers syndrome. Last evaluated: 2024-08-29. Review status: criteria provided, single submitter. Criteria: Invitae Variant Classification Sherloc (09022015). Collection method: clinical testing. Allele origin: germline.
Comment: This sequence change replaces lysine, which is basic and polar, with asparagine, which is neutral and polar, at codon 266 of the PACS1 protein (p.Lys266Asn). This variant is present in population databases (no rsID available, gnomAD 0.004%). This variant has not been reported in the literature in individuals affected with PACS1-related conditions. Invitae Evidence Modeling of protein sequence and biophysical properties (such as structural, functional, and spatial information, amino acid conservation, physicochemical variation, residue mobility, and thermodynamic stability) indicates that this missense variant is not expected to disrupt PACS1 protein function with a negative predictive value of 80%. In summary, the available evidence is currently insufficient to determine the role of this variant in disease. Therefore, it has been classified as a Variant of Uncertain Significance.

NM_018026.4(PACS1):c.798G>C (p.Lys266Asn)

Gene: PACS1 (phosphofurin acidic cluster sorting protein 1; plus strand). Cytogenetic location: 11q13.2.
Variant type: single nucleotide variant.
Coding change: c.798G>C on transcript NM_018026.4 (MANE Select); coding-DNA position 798, G replaced by C.
Protein change: p.Lys266Asn; replaces lysine 266 with asparagine.
Molecular consequence: missense variant.
Genome position (GRCh38, 1-based): chr11:66,216,256, G>C. VCF-style: chr11-66216256-G-C. GRCh37 (hg19) VCF-style: chr11-65983727-G-C.
Other names: short protein forms K266N.
Identifiers: ClinVar variation 3663939 (VCV003663939.2).